The following is an entry in ClinVar:

NM_000021.4(PSEN1):c.*3722C>T

Gene: PSEN1 (presenilin 1; plus strand). Cytogenetic location: 14q24.2.
Variant type: single nucleotide variant.
Coding change: c.*3722C>T on transcript NM_000021.4 (MANE Select); 3722 bases downstream of the stop codon, C replaced by T.
Molecular consequence: 3 prime UTR variant.
Genome position (GRCh38, 1-based): chr14:73,223,011, C>T. VCF-style: chr14-73223011-C-T. GRCh37 (hg19) VCF-style: chr14-73689719-C-T.
Other names: c.*3722C>T (NM_007318.3).
Identifiers: ClinVar variation 314000 (VCV000314000.7), dbSNP rs362344, ClinGen allele CA10640771.

ClinVar aggregate classification (germline): Benign. Review status: criteria provided, multiple submitters, no conflicts (2 of 4 stars). 4 submissions from 3 submitters: Benign (4). Last evaluated 2021-05-15.

Conditions:
Dilated cardiomyopathy 1U. Identifiers: Orphanet 154, MedGen C3160720, MONDO:0013371, OMIM 613694.
Alzheimer disease 3 (AD3). Also called: ALZHEIMER DISEASE, FAMILIAL, 3. Identifiers: Orphanet 1020, MedGen C1843013, MONDO:0011913, OMIM 607822.

Allele frequency attached by ClinVar (database versions not stated): gnomAD 0.24215 and 0.24439; TOPMed 0.25253; 1000 Genomes Project 0.29493; 1000 Genomes Project 30x 0.29841; gnomAD exomes 0.50000.
gnomAD v4.1: 37,133 of 152,028 alleles (24%); highest among the groups gnomAD compares: East Asian, 42%; 4,762 homozygotes.

Submissions (4):

GeneDx
Classification: Benign. Last evaluated: 2021-05-15. Review status: criteria provided, single submitter. Criteria: GeneDx Variant Classification Process June 2021. Collection method: clinical testing. Allele origin: germline. Affected: yes.

Illumina Laboratory Services, Illumina
Classification: Benign for Alzheimer disease 3. Last evaluated: 2018-01-13. Review status: criteria provided, single submitter. Criteria: ICSL Variant Classification Criteria 13 December 2019. Collection method: clinical testing. Allele origin: germline.
Comment: This variant was observed in the ICSL laboratory as part of a predisposition screen in an ostensibly healthy population. It had not been previously curated by ICSL or reported in the Human Gene Mutation Database (HGMD: prior to June 1st, 2018), and was therefore a candidate for classification through an automated scoring system. Utilizing variant allele frequency, disease prevalence and penetrance estimates, and inheritance mode, an automated score was calculated to assess if this variant is too frequent to cause the disease. Based on the score and internal cut-off values, a variant classified as benign is not then subjected to further curation. The score for this variant resulted in a classification of benign for this disease.

Illumina Laboratory Services, Illumina
Classification: Benign for Dilated cardiomyopathy 1U. Last evaluated: 2018-01-13. Review status: criteria provided, single submitter. Criteria: ICSL Variant Classification Criteria 13 December 2019. Collection method: clinical testing. Allele origin: germline.
Comment: the same text as in the submission from Illumina Laboratory Services, Illumina above.

Breakthrough Genomics
Classification: Benign. Review status: criteria provided, single submitter. Criteria: ACMG Guidelines, 2015. Collection method: not provided. Allele origin: germline. Inheritance: Autosomal dominant inheritance. Affected: yes.